The following is an entry in ClinVar:

ClinVar aggregate classification (germline): Uncertain significance. Review status: criteria provided, multiple submitters, no conflicts (2 of 4 stars). 2 submissions from 2 submitters: Uncertain significance (2). Last evaluated 2023-12-22.

Conditions:
Hereditary pancreatitis (PCTT). Also called: PRSS1-Related Hereditary Pancreatitis; Hereditary chronic pancreatitis. Identifiers: Orphanet 676, MedGen C0238339, MONDO:0008185, OMIM 167800.

gnomAD v4.1: 9 of 1,614,180 alleles (0.00056%); highest among the groups gnomAD compares: Non-Finnish European, 0.00076%; no homozygotes.

Submissions (2):

Ambry Genetics
Classification: Uncertain significance for Hereditary pancreatitis. Last evaluated: 2023-12-22. Review status: criteria provided, single submitter. Criteria: Ambry Variant Classification Scheme 2023. Collection method: clinical testing. Allele origin: germline.
Comment: The p.I137L variant (also known as c.409A>C), located in coding exon 5 of the CTRC gene, results from an A to C substitution at nucleotide position 409. The isoleucine at codon 137 is replaced by leucine, an amino acid with highly similar properties. This amino acid position is conserved. In addition, the in silico prediction for this alteration is inconclusive. Since supporting evidence is limited at this time, the clinical significance of this alteration remains unclear.

Labcorp Genetics (formerly Invitae), Labcorp
Classification: Uncertain significance for Hereditary pancreatitis. Last evaluated: 2021-05-03. Review status: criteria provided, single submitter. Criteria: Invitae Variant Classification Sherloc (09022015). Collection method: clinical testing. Allele origin: germline.
Comment: In summary, the available evidence is currently insufficient to determine the role of this variant in disease. Therefore, it has been classified as a Variant of Uncertain Significance. Algorithms developed to predict the effect of missense changes on protein structure and function are either unavailable or do not agree on the potential impact of this missense change (SIFT: "Deleterious"; PolyPhen-2: "Possibly Damaging"; Align-GVGD: "Class C0"). This variant has not been reported in the literature in individuals with CTRC-related conditions. This variant is not present in population databases (ExAC no frequency). This sequence change replaces isoleucine with leucine at codon 137 of the CTRC protein (p.Ile137Leu). The isoleucine residue is highly conserved and there is a small physicochemical difference between isoleucine and leucine.

NM_007272.3(CTRC):c.409A>C (p.Ile137Leu)

Gene: CTRC (chymotrypsin C; plus strand). Cytogenetic location: 1p36.21.
Variant type: single nucleotide variant.
Coding change: c.409A>C on transcript NM_007272.3 (MANE Select); coding-DNA position 409, A replaced by C.
Protein change: p.Ile137Leu; replaces isoleucine 137 with leucine.
Molecular consequence: missense variant.
Genome position (GRCh38, 1-based): chr1:15,443,471, A>C. VCF-style: chr1-15443471-A-C. GRCh37 (hg19) VCF-style: chr1-15769966-A-C.
Other names: short protein forms I137L.
Identifiers: ClinVar variation 1429820 (VCV001429820.10), dbSNP rs2103291436, ClinGen allele CA338566108.